The following is an entry in ClinVar:

NM_002296.4(LBR):c.236G>A (p.Arg79Gln)

Gene: LBR (lamin B receptor; minus strand). Cytogenetic location: 1q42.12.
Variant type: single nucleotide variant.
Coding change: c.236G>A on transcript NM_002296.4 (MANE Select); coding-DNA position 236, G replaced by A.
Protein change: p.Arg79Gln; replaces arginine 79 with glutamine.
Molecular consequence: missense variant.
Genome position (GRCh38, 1-based): chr1:225,422,207, C>T on the plus strand (G>A on the coding strand, the complement: LBR is on the minus strand). VCF-style: chr1-225422207-C-T. GRCh37 (hg19) VCF-style: chr1-225609909-C-T.
Other names: c.236G>A, p.Arg79Gln (NM_194442.3); c.236G>A (NM_002296.3); short protein forms R79Q.
Identifiers: ClinVar variation 3021531 (VCV003021531.4), dbSNP rs150911670, ClinGen allele CA1417531.

ClinVar aggregate classification (germline): Uncertain significance. Review status: criteria provided, multiple submitters, no conflicts (2 of 4 stars). 2 submissions from 2 submitters: Uncertain significance (2). Last evaluated 2024-10-24.

Conditions:
Inborn genetic diseases. Identifiers: MedGen C0950123, MeSH D030342.

Allele frequency attached by ClinVar (database versions not stated): ExAC 0.00005; gnomAD 0.00009; TOPMed 0.00013; ESP Exome Variant Server 0.00031.
gnomAD v4.1: 73 of 1,613,772 alleles (0.0045%); highest among the groups gnomAD compares: African/African-American, 0.029%; no homozygotes.

Submissions (2):

Ambry Genetics
Classification: Uncertain significance for Inborn genetic diseases. Last evaluated: 2024-10-24. Review status: criteria provided, single submitter. Criteria: Ambry Variant Classification Scheme 2023. Collection method: clinical testing. Allele origin: germline.

Labcorp Genetics (formerly Invitae), Labcorp
Classification: Uncertain significance. Last evaluated: 2024-06-04. Review status: criteria provided, single submitter. Criteria: Invitae Variant Classification Sherloc (09022015). Collection method: clinical testing. Allele origin: germline.
Comment: This sequence change replaces arginine, which is basic and polar, with glutamine, which is neutral and polar, at codon 79 of the LBR protein (p.Arg79Gln). This variant is present in population databases (rs150911670, gnomAD 0.04%). This variant has not been reported in the literature in individuals affected with LBR-related conditions. An algorithm developed to predict the effect of missense changes on protein structure and function (PolyPhen-2) suggests that this variant is likely to be disruptive. In summary, the available evidence is currently insufficient to determine the role of this variant in disease. Therefore, it has been classified as a Variant of Uncertain Significance.